The following is an entry in ClinVar:

ClinVar aggregate classification (germline): Uncertain significance (1 of 4 stars; one submission).

Conditions:
DICER1-related tumor predisposition. Also called: DICER1-related pleuropulmonary blastoma cancer predisposition syndrome; DICER1 syndrome. Identifiers: Orphanet 284343, MedGen C3839822, MONDO:0100216.

Submission:

Labcorp Genetics (formerly Invitae), Labcorp
Classification: Uncertain significance for DICER1-related tumor predisposition. Last evaluated: 2023-11-16. Review status: criteria provided, single submitter. Criteria: Invitae Variant Classification Sherloc (09022015). Collection method: clinical testing. Allele origin: germline.
Comment: This sequence change replaces isoleucine, which is neutral and non-polar, with threonine, which is neutral and polar, at codon 253 of the DICER1 protein (p.Ile253Thr). This variant is not present in population databases (gnomAD no frequency). This variant has not been reported in the literature in individuals affected with DICER1-related conditions. Advanced modeling of protein sequence and biophysical properties (such as structural, functional, and spatial information, amino acid conservation, physicochemical variation, residue mobility, and thermodynamic stability) performed at Invitae indicates that this missense variant is not expected to disrupt DICER1 protein function with a negative predictive value of 80%. In summary, the available evidence is currently insufficient to determine the role of this variant in disease. Therefore, it has been classified as a Variant of Uncertain Significance.

NM_177438.3(DICER1):c.758T>C (p.Ile253Thr)

Gene: DICER1 (dicer 1, ribonuclease III; minus strand). Cytogenetic location: 14q32.13.
Variant type: single nucleotide variant.
Coding change: c.758T>C on transcript NM_177438.3 (MANE Select); coding-DNA position 758, T replaced by C.
Protein change: p.Ile253Thr; replaces isoleucine 253 with threonine.
Molecular consequence: missense variant. On other transcripts: 5 prime UTR variant (1), non-coding transcript variant (6).
Genome position (GRCh38, 1-based): chr14:95,126,725, A>G on the plus strand (T>C on the coding strand, the complement: DICER1 is on the minus strand). VCF-style: chr14-95126725-A-G. GRCh37 (hg19) VCF-style: chr14-95593062-A-G.
Other names: c.758T>C, p.Ile253Thr (NM_001195573.1, NM_001271282.3, NM_001291628.2 and 15 more transcripts); c.476T>C, p.Ile159Thr (NM_001395686.1); c.353T>C, p.Ile118Thr (NM_001395687.1, NM_001395688.1, NM_001395689.1 and 3 more transcripts); c.191T>C, p.Ile64Thr (NM_001395691.1); c.-811T>C (NM_001395697.1); short protein forms I253T, I118T, I64T, I159T.
Identifiers: ClinVar variation 2852133 (VCV002852133.3), dbSNP rs1893493719, ClinGen allele CA390887894.